The following is an entry in ClinVar:

ClinVar aggregate classification (germline): Likely benign (0 of 4 stars; one submission).

Conditions:
BPTF-related disorder. Also called: BPTF-related condition.

Allele frequency attached by ClinVar (database versions not stated): ExAC 0.00001.

Submission:

PreventionGenetics, part of Exact Sciences
Classification: Likely benign for BPTF-related condition. Last evaluated: 2022-01-26. Review status: no assertion criteria provided. Collection method: clinical testing. Allele origin: germline.
Comment: This variant is classified as likely benign based on ACMG/AMP sequence variant interpretation guidelines (Richards et al. 2015 PMID: 25741868, with internal and published modifications).

NM_182641.4(BPTF):c.4104G>A (p.Glu1368=)

Gene: BPTF (bromodomain PHD finger transcription factor; plus strand). Cytogenetic location: 17q24.2.
Variant type: single nucleotide variant.
Coding change: c.4104G>A on transcript NM_182641.4 (MANE Select); coding-DNA position 4104, G replaced by A.
Protein change: p.Glu1368=; no amino-acid change (glutamic acid 1368 retained).
Molecular consequence: synonymous variant.
Genome position (GRCh38, 1-based): chr17:67,911,988, G>A. VCF-style: chr17-67911988-G-A. GRCh37 (hg19) VCF-style: chr17-65908104-G-A.
Other names: c.4482G>A, p.Glu1494= (NM_004459.7).
Identifiers: ClinVar variation 3029491 (VCV003029491.2), dbSNP rs776946779, ClinGen allele CA8725754.